The following is an entry in ClinVar:

NM_001174089.2(SLC4A11):c.575del (p.Val192fs)

Gene: SLC4A11 (solute carrier family 4 member 11; minus strand). Cytogenetic location: 20p13.
Variant type: Deletion.
Coding change: c.575del on transcript NM_001174089.2 (MANE Select); coding-DNA position 575, one base deleted (T; older notation c.575delT).
Protein change: p.Val192fs; shifts the reading frame from valine 192.
Molecular consequence: frameshift variant. On other transcripts: non-coding transcript variant (1).
Genome position (GRCh38, 1-based): chr20:3,233,951, A deleted on the plus strand (T on the coding strand, the reverse complement: SLC4A11 is on the minus strand). VCF-style (leftmost placement, unchanged base first): chr20-3233950-CA-C. GRCh37 (hg19) VCF-style: chr20-3214596-CA-C.
Other names: c.704del, p.Val235fs (NM_001174090.2); c.575del, p.Val192fs (NM_001363745.2); c.623del, p.Val208fs (NM_032034.4); c.623delT (NM_032034.3); short protein forms V192fs, V235fs, V208fs.
Identifiers: ClinVar variation 1454589 (VCV001454589.7), dbSNP rs2067871973, ClinGen allele CA1014839935.
Genomic context (GRCh38, chr20:3,233,950, plus strand): 5'-AGAAGGGGGGCCAAGTGGCCTGGCAACTCACATGATGCAGAGCCACGACTGCTGGTACCG[CA>C]CCCCTGTCACTGTGGCGGTGACCCCTTGGATGGTATCTGACAGCAGGTGGACTGAGGAAA-3'

ClinVar aggregate classification (germline): Pathogenic/Likely pathogenic. Review status: criteria provided, multiple submitters, no conflicts (2 of 4 stars). 3 submissions from 3 submitters: Pathogenic (1); Likely pathogenic (2). Last evaluated 2024-10-21.

Conditions:
Corneal dystrophy-perceptive deafness syndrome (CDPD). Also called: CORNEAL DYSTROPHY AND SENSORINEURAL DEAFNESS; HARBOYAN SYNDROME. Identifiers: Orphanet 1490, MedGen C1857572, MONDO:0009015, OMIM 217400.

Allele frequency attached by ClinVar (database versions not stated): gnomAD 0.00001.

Submissions (3):

Labcorp Genetics (formerly Invitae), Labcorp
Classification: Pathogenic. Last evaluated: 2024-10-21. Review status: criteria provided, single submitter. Criteria: Invitae Variant Classification Sherloc (09022015). Collection method: clinical testing. Allele origin: germline.
Comment: This sequence change creates a premature translational stop signal (p.Val208Glyfs*14) in the SLC4A11 gene. It is expected to result in an absent or disrupted protein product. Loss-of-function variants in SLC4A11 are known to be pathogenic (PMID: 17220209, 17679935). This variant is not present in population databases (gnomAD no frequency). This variant has not been reported in the literature in individuals affected with SLC4A11-related conditions. ClinVar contains an entry for this variant (Variation ID: 1454589). For these reasons, this variant has been classified as Pathogenic.

Natera, Inc.
Classification: Likely pathogenic for Corneal dystrophy-perceptive deafness syndrome. Last evaluated: 2024-02-22. Review status: criteria provided, single submitter. Criteria: Natera Variant Classification Schema (03/2026). Collection method: clinical testing. Allele origin: germline.
Comment: The c.623delT variant in SLC4A11 is a frameshift variant predicted to shift the reading frame beginning at codon 208 and leads to a stop codon 14 codons downstream. This variant is expected to result in nonsense mediated decay, truncation, or a dysfunctional protein product. This variant is rare in the general population with a frequency below the threshold expected for the associated phenotype(s). Given the available evidence, this variant is classified as Likely Pathogenic.

Women's Health and Genetics/Laboratory Corporation of America, LabCorp
Classification: Likely pathogenic for Corneal dystrophy-perceptive deafness syndrome. Last evaluated: 2023-02-20. Review status: criteria provided, single submitter. Criteria: LabCorp Variant Classification Summary - May 2015. Collection method: clinical testing. Allele origin: germline.
Comment: Variant summary: SLC4A11 c.623delT (p.Val208GlyfsX14) results in a premature termination codon, predicted to cause a truncation of the encoded protein or absence of the protein due to nonsense mediated decay, which are commonly known mechanisms for disease. Truncations downstream of this position have been classified as pathogenic in ClinVar. The variant was absent in 251206 control chromosomes. To our knowledge, no occurrence of c.623delT in individuals affected with Corneal Dystrophy And Perceptive Deafness and no experimental evidence demonstrating its impact on protein function have been reported. One clinical diagnostic laboratory has submitted clinical-significance assessments for this variant to ClinVar after 2014 without evidence for independent evaluation. One laboratory classified the variant as pathogenic/likely pathogenic. Based on the evidence outlined above, the variant was classified as likely pathogenic.

Literature cited by the submitters: PubMed 17220209 (cited by Labcorp Genetics (formerly Invitae), Labcorp); PubMed 17679935 (cited by Labcorp Genetics (formerly Invitae), Labcorp).